The following is an entry in ClinVar:

ClinVar aggregate classification (germline): Pathogenic (1 of 4 stars; one submission).

Conditions:
Hereditary cancer-predisposing syndrome. Also called: Hereditary Cancer Syndrome; Neoplastic Syndromes, Hereditary; Tumor predisposition; Hereditary neoplastic syndrome. Identifiers: Orphanet 140162, MedGen C0027672, MeSH D009386, MONDO:0015356.

Submission:

Ambry Genetics
Classification: Pathogenic for Hereditary cancer-predisposing syndrome. Last evaluated: 2026-08-11. Review status: criteria provided, single submitter. Criteria: Ambry Variant Classification Scheme 2023. Collection method: clinical testing. Allele origin: germline.
Comment: The c.358delA pathogenic mutation, located in coding exon 2 of the CHEK2 gene, results from a deletion of one nucleotide at nucleotide position 358, causing a translational frameshift with a predicted alternate stop codon (p.S120Afs*11). This variant is considered to be rare based on population cohorts in the Genome Aggregation Database (gnomAD). This alteration is expected to result in loss of function by premature protein truncation or nonsense-mediated mRNA decay. As such, this alteration is interpreted as a disease-causing mutation.

NM_007194.4(CHEK2):c.358del (p.Ser120fs)

Gene: CHEK2 (checkpoint kinase 2; minus strand). Cytogenetic location: 22q12.1.
Variant type: Deletion.
Coding change: c.358del on transcript NM_007194.4 (MANE Select); coding-DNA position 358, one base deleted (A; older notation c.358delA).
Protein change: p.Ser120fs; shifts the reading frame from serine 120.
Molecular consequence: frameshift variant. On other transcripts: 5 prime UTR variant (2).
Genome position (GRCh38, 1-based): chr22:28,725,329, T deleted on the plus strand (A on the coding strand, the reverse complement: CHEK2 is on the minus strand); the first of 4 consecutive T bases (chr22:28,725,329-28,725,332); deleting any one gives the same sequence. VCF-style (leftmost placement, unchanged base first): chr22-28725328-CT-C. GRCh37 (hg19) VCF-style: chr22-29121316-CT-C.
Other names: c.487del, p.Ser163fs (NM_001005735.3, NM_001438294.1); c.-420del (NM_001257387.3); c.358del, p.Ser120fs (NM_001349956.3, NM_145862.3); c.-306del (NM_001437942.1); c.451del, p.Ser151fs (NM_001438293.1, NM_001438295.1); short protein forms S120fs, S151fs, S163fs.
Identifiers: ClinVar variation 5034562 (VCV005034562.1).